The following is an entry in ClinVar:

NM_033026.6(PCLO):c.304C>T (p.Pro102Ser)

Gene: PCLO (piccolo presynaptic cytomatrix protein; minus strand). Cytogenetic location: 7q21.11.
Variant type: single nucleotide variant.
Coding change: c.304C>T on transcript NM_033026.6 (MANE Select); coding-DNA position 304, C replaced by T.
Protein change: p.Pro102Ser; replaces proline 102 with serine.
Molecular consequence: missense variant.
Genome position (GRCh38, 1-based): chr7:83,156,337, G>A on the plus strand (C>T on the coding strand, the complement: PCLO is on the minus strand). VCF-style: chr7-83156337-G-A. GRCh37 (hg19) VCF-style: chr7-82785653-G-A.
Other names: c.304C>T, p.Pro102Ser (NM_014510.3); short protein forms P102S.
Identifiers: ClinVar variation 1463760 (VCV001463760.6), dbSNP rs868657872, ClinGen allele CA161191726.

ClinVar aggregate classification (germline): Uncertain significance (1 of 4 stars; one submission).

Allele frequency attached by ClinVar (database versions not stated): gnomAD 0.00001; gnomAD exomes 0.00001.

Submission:

Labcorp Genetics (formerly Invitae), Labcorp
Classification: Uncertain significance. Last evaluated: 2022-04-08. Review status: criteria provided, single submitter. Criteria: Invitae Variant Classification Sherloc (09022015). Collection method: clinical testing. Allele origin: germline.
Comment: In summary, the available evidence is currently insufficient to determine the role of this variant in disease. Therefore, it has been classified as a Variant of Uncertain Significance. Algorithms developed to predict the effect of missense changes on protein structure and function output the following: SIFT: "Deleterious"; PolyPhen-2: "Not Available"; Align-GVGD: "Class C0". The serine amino acid residue is found in multiple mammalian species, which suggests that this missense change does not adversely affect protein function. This variant has not been reported in the literature in individuals affected with PCLO-related conditions. This variant is present in population databases (no rsID available, gnomAD 0.003%). This sequence change replaces proline, which is neutral and non-polar, with serine, which is neutral and polar, at codon 102 of the PCLO protein (p.Pro102Ser).